The following is an entry in ClinVar:

ClinVar aggregate classification (germline): Uncertain significance (1 of 4 stars; one submission).

Conditions:
Hereditary cancer-predisposing syndrome. Also called: Neoplastic Syndromes, Hereditary; Tumor predisposition; Hereditary Cancer Syndrome; Hereditary neoplastic syndrome. Identifiers: Orphanet 140162, MedGen C0027672, MeSH D009386, MONDO:0015356.

Submission:

Ambry Genetics
Classification: Uncertain significance for Hereditary cancer-predisposing syndrome. Last evaluated: 2026-05-28. Review status: criteria provided, single submitter. Criteria: Ambry Variant Classification Scheme 2023. Collection method: clinical testing. Allele origin: germline.
Comment: The p.K267N variant (also known as c.801A>T), located in coding exon 3 of the XRCC2 gene, results from an A to T substitution at nucleotide position 801. The lysine at codon 267 is replaced by asparagine, an amino acid with similar properties. This amino acid position is conserved. In addition, this alteration is predicted to be tolerated by in silico analysis. Based on the available evidence, the clinical significance of this variant remains unclear.

NM_005431.2(XRCC2):c.801A>T (p.Lys267Asn)

Gene: XRCC2 (X-ray repair cross complementing 2; minus strand). Cytogenetic location: 7q36.1.
Variant type: single nucleotide variant.
Coding change: c.801A>T on transcript NM_005431.2 (MANE Select); coding-DNA position 801, A replaced by T.
Protein change: p.Lys267Asn; replaces lysine 267 with asparagine.
Molecular consequence: missense variant.
Genome position (GRCh38, 1-based): chr7:152,648,684, T>A on the plus strand (A>T on the coding strand, the complement: XRCC2 is on the minus strand). VCF-style: chr7-152648684-T-A. GRCh37 (hg19) VCF-style: chr7-152345769-T-A.
Other names: short protein forms K267N.
Identifiers: ClinVar variation 4866847 (VCV004866847.1).
Genomic context (GRCh38, chr7:152,648,684, plus strand): 5'-ACTATTTTATGATGTATATCAACAAAATTCAACCCCACTTTCTCCAATAATAAAAAAATG[T>A]TTTTTTAAACTGTTACTTTTTAAACAACGTGAAACTAATGAAAATTGGTTGCTGCTTTGA-3'
Protein context (NP_005422.1, residues 257-277): SRCLKSNSLK[Lys267Asn]HFFIIGESGV